The following is an entry in ClinVar:

ClinVar aggregate classification (germline): Conflicting classifications of pathogenicity. Review status: criteria provided, conflicting classifications (1 of 4 stars). 5 submissions from 5 submitters: Uncertain significance (4); Likely benign (1). Last evaluated 2026-06-22.

Conditions:
Cardiovascular phenotype. Identifiers: MedGen CN230736.
TNXB-related disorder. Also called: TNXB-related condition.

Allele frequency attached by ClinVar (database versions not stated): TOPMed 0.00002; gnomAD exomes 0.00007; gnomAD 0.00011; ExAC 0.00013; 1000 Genomes Project 30x 0.00016; 1000 Genomes Project 0.00020.
gnomAD v4.1: 114 of 1,613,426 alleles (0.0071%); highest among the groups gnomAD compares: South Asian, 0.055%; no homozygotes.

Submissions (5):

PreventionGenetics, part of Exact Sciences
Classification: Uncertain significance for TNXB-related condition. Last evaluated: 2026-06-22. Review status: criteria provided, single submitter. Criteria: ACMG Guidelines, 2015. Collection method: clinical testing. Allele origin: germline.
Comment: The TNXB c.8530C>T variant is predicted to result in the amino acid substitution p.Arg2844Cys. To our knowledge, this variant has not been reported in the literature. This variant is reported in 0.059% of alleles in individuals of South Asian descent in gnomAD. Although we suspect that this variant may be benign, at this time, the clinical significance of this variant is uncertain due to the absence of conclusive functional and genetic evidence.

Women's Health and Genetics/Laboratory Corporation of America, LabCorp
Classification: Uncertain significance. Last evaluated: 2026-04-21. Review status: criteria provided, single submitter. Criteria: LabCorp Variant Classification Summary - May 2015. Collection method: clinical testing. Allele origin: germline.
Comment: Variant summary: TNXB c.8530C>T (p.Arg2844Cys) results in a non-conservative amino acid change in the encoded protein sequence. Algorithms developed to predict the effect of missense changes on protein structure and function are either unavailable or do not agree on the potential impact of this missense change. The variant allele was found at a frequency of 0.00014 in 245706 control chromosomes. This frequency is not significantly higher than estimated for disease-causing variants in TNXB, allowing no conclusion about variant significance. To our knowledge, no occurrence of c.8530C>T in individuals affected with TNXB-related conditions and no experimental evidence demonstrating its impact on protein function have been reported. ClinVar contains an entry for this variant (Variation ID: 1763767). Based on the evidence outlined above, the variant was classified as uncertain significance.

Ambry Genetics
Classification: Likely benign for Cardiovascular phenotype. Last evaluated: 2025-06-25. Review status: criteria provided, single submitter. Criteria: Ambry Variant Classification Scheme 2023. Collection method: clinical testing. Allele origin: germline.

GeneDx
Classification: Uncertain significance. Last evaluated: 2023-07-27. Review status: criteria provided, single submitter. Criteria: GeneDx Variant Classification Process June 2021. Collection method: clinical testing. Allele origin: germline. Affected: yes.
Comment: Has not been previously published as pathogenic or benign to our knowledge; In silico analysis supports that this missense variant has a deleterious effect on protein structure/function

Mayo Clinic Laboratories, Mayo Clinic
Classification: Uncertain significance. Last evaluated: 2023-07-13. Review status: criteria provided, single submitter. Criteria: ACMG Guidelines, 2015. Collection method: clinical testing. Allele origin: germline. Observed: 1 variant allele.
Comment: BP4

NM_001365276.2(TNXB):c.8536C>T (p.Arg2846Cys)

Gene: TNXB (tenascin XB; minus strand). Cytogenetic location: 6p21.33.
Variant type: single nucleotide variant.
Coding change: c.8536C>T on transcript NM_001365276.2 (MANE Select); coding-DNA position 8536, C replaced by T.
Protein change: p.Arg2846Cys; replaces arginine 2846 with cysteine.
Molecular consequence: missense variant.
Genome position (GRCh38, 1-based): chr6:32,053,643, G>A on the plus strand (C>T on the coding strand, the complement: TNXB is on the minus strand). VCF-style: chr6-32053643-G-A. GRCh37 (hg19) VCF-style: chr6-32021420-G-A.
Other names: p.Arg2844Cys; c.8530C>T, p.Arg2844Cys (NM_019105.8); short protein forms R2846C, R2844C.
Identifiers: ClinVar variation 1763767 (VCV001763767.8), dbSNP rs2857010, ClinGen allele CA3733807.